The following is an entry in ClinVar:

NC_000017.11:g.(?_43045658)_(43125483_?)del

Genes: BRCA1 (BRCA1 DNA repair associated; minus strand), LOC110485084 (BRCA1 intronic recombination region; plus strand), LOC111589215 (BRCA1 promoter region; plus strand), LOC126862571 (BRD4-independent group 4 enhancer GRCh37_chr17:41243136-41244335; plus strand), LOC111589216 (BRCA1 intron 2 regulatory region; plus strand). Cytogenetic location: 17q21.31.
Variant type: Deletion.
Identifiers: ClinVar variation 583655 (VCV000583655.3).

ClinVar aggregate classification (germline): Pathogenic (1 of 4 stars; one submission).

Conditions:
Hereditary breast ovarian cancer syndrome. Also called: Hereditary breast and ovarian cancer syndrome; Hereditary breast and/or ovarian cancer syndrome; Hereditary breast and ovarian cancer syndrome (HBOC); Breast and ovarian cancer; BRCA1- and BRCA2-Associated Hereditary Breast and Ovarian Cancer; Hereditary breast and ovarian cancer. Identifiers: Orphanet 145, MedGen C0677776, MeSH D061325, MONDO:0003582. Disease mechanism: loss of function.

Submission:

Labcorp Genetics (formerly Invitae), Labcorp
Classification: Pathogenic for Hereditary breast and ovarian cancer syndrome. Last evaluated: 2019-05-13. Review status: criteria provided, single submitter. Criteria: Invitae Variant Classification Sherloc (09022015). Collection method: clinical testing. Allele origin: germline.
Comment: A gross deletion of the genomic region encompassing the full coding sequence of the BRCA1 gene has been identified. The boundaries of this event are unknown as the deletion extends beyond the assayed region for this gene and therefore may encompass additional genes. Deletions of the entire BRCA1 gene have been reported to segregate in individuals affected with breast or ovarian cancers in several families (PMID: 24686251, 16793929, 21281505). This change is also described as a deletion of exons 1-24 in the literature. Loss-of-function variants in BRCA1 are known to be pathogenic (PMID: 20104584). For these reasons, this variant has been classified as Pathogenic.

Literature cited by the submitters: PubMed 16793929; PubMed 24686251; PubMed 21281505.